The following is an entry in ClinVar:

NM_000426.4(LAMA2):c.955G>C (p.Asp319His)

Gene: LAMA2 (laminin subunit alpha 2; plus strand). Cytogenetic location: 6q22.33.
Variant type: single nucleotide variant.
Coding change: c.955G>C on transcript NM_000426.4 (MANE Select); coding-DNA position 955, G replaced by C.
Protein change: p.Asp319His; replaces aspartic acid 319 with histidine.
Molecular consequence: missense variant.
Genome position (GRCh38, 1-based): chr6:129,149,024, G>C. VCF-style: chr6-129149024-G-C. GRCh37 (hg19) VCF-style: chr6-129470169-G-C.
Other names: c.955G>C, p.Asp319His (NM_001079823.2); short protein forms D319H.
Identifiers: ClinVar variation 2153635 (VCV002153635.4), dbSNP rs762485446, ClinGen allele CA365606577.
Genomic context (GRCh38, chr6:129,149,024, plus strand): 5'-CCTCTTTTTGACTAGAAATCTCGCTGTGAGTGTGAGCATAACACATGTGGCGATAGCTGT[G>C]ATCAGTGCTGTCCAGGATTCCATCAGAAACCCTGGAGAGCTGGAACTTTTCTAACTAAAA-3'
Protein context (NP_000417.3, residues 309-329): CEHNTCGDSC[Asp319His]QCCPGFHQKP

ClinVar aggregate classification (germline): Uncertain significance (1 of 4 stars; one submission).

Conditions:
LAMA2-related muscular dystrophy (LAMA2-RD). Also called: Laminin alpha 2-related dystrophy. Identifiers: MedGen C5679788, MONDO:0100228.

Submission:

Labcorp Genetics (formerly Invitae), Labcorp
Classification: Uncertain significance for LAMA2-related muscular dystrophy. Last evaluated: 2022-08-09. Review status: criteria provided, single submitter. Criteria: Invitae Variant Classification Sherloc (09022015). Collection method: clinical testing. Allele origin: germline.
Comment: In summary, the available evidence is currently insufficient to determine the role of this variant in disease. Therefore, it has been classified as a Variant of Uncertain Significance. Advanced modeling of protein sequence and biophysical properties (such as structural, functional, and spatial information, amino acid conservation, physicochemical variation, residue mobility, and thermodynamic stability) performed at Invitae indicates that this missense variant is not expected to disrupt LAMA2 protein function. This variant has not been reported in the literature in individuals affected with LAMA2-related conditions. This variant is not present in population databases (gnomAD no frequency). This sequence change replaces aspartic acid, which is acidic and polar, with histidine, which is basic and polar, at codon 319 of the LAMA2 protein (p.Asp319His).